The following is an entry in ClinVar:

NM_003060.4(SLC22A5):c.497+2T>A

Gene: SLC22A5 (solute carrier family 22 member 5; plus strand). Cytogenetic location: 5q31.1.
Variant type: single nucleotide variant.
Coding change: c.497+2T>A on transcript NM_003060.4 (MANE Select); the canonical splice donor site of the intron after coding-DNA position 497, T replaced by A.
Molecular consequence: splice donor variant.
Genome position (GRCh38, 1-based): chr5:132,378,483, T>A. VCF-style: chr5-132378483-T-A. GRCh37 (hg19) VCF-style: chr5-131714175-T-A.
Other names: c.569+2T>A (NM_001308122.2).
Identifiers: ClinVar variation 937435 (VCV000937435.9), dbSNP rs1752229268, ClinGen allele CA360803797.
Genomic context (GRCh38, chr5:132,378,483, plus strand): 5'-TCCTTGTTCTTCGTGGGTGTGCTGTTGGGCTCCTTCATTTCAGGGCAGCTGTCAGACAGG[T>A]AAGGTGTCTGTCTTCTGGAGCACCAGGGGACCTCAGCACTGAGGAAGAAGCGTGTGCCTG-3'

ClinVar aggregate classification (germline): Pathogenic/Likely pathogenic. Review status: criteria provided, multiple submitters, no conflicts (2 of 4 stars). 2 submissions from 2 submitters: Pathogenic (1); Likely pathogenic (1). Last evaluated 2022-10-28.

Conditions:
Renal carnitine transport defect (CDSP). Also called: Carnitine transporter deficiency; Carnitine Deficiency, Systemic; Systemic primary carnitine deficiency disease; CARNITINE DEFICIENCY, SYSTEMIC, DUE TO DEFECT IN RENAL REABSORPTION OF CARNITINE; CARNITINE TRANSPORTER, PLASMA-MEMBRANE, DEFICIENCY OF; CARNITINE UPTAKE DEFECT. Identifiers: Orphanet 158, MedGen C0342788, MONDO:0008919, OMIM 212140.

Submissions (2):

Labcorp Genetics (formerly Invitae), Labcorp
Classification: Pathogenic for Renal carnitine transport defect. Last evaluated: 2022-10-28. Review status: criteria provided, single submitter. Criteria: Invitae Variant Classification Sherloc (09022015). Collection method: clinical testing. Allele origin: germline.
Comment: For these reasons, this variant has been classified as Pathogenic. Algorithms developed to predict the effect of sequence changes on RNA splicing suggest that this variant may disrupt the consensus splice site. ClinVar contains an entry for this variant (Variation ID: 937435). Disruption of this splice site has been observed in individual(s) with primary carnitine deficiency (PMID: 25132046). This variant is not present in population databases (gnomAD no frequency). This sequence change affects a donor splice site in intron 2 of the SLC22A5 gene. It is expected to disrupt RNA splicing. Variants that disrupt the donor or acceptor splice site typically lead to a loss of protein function (PMID: 16199547), and loss-of-function variants in SLC22A5 are known to be pathogenic (PMID: 9916797).

Fulgent Genetics
Classification: Likely pathogenic for Renal carnitine transport defect. Last evaluated: 2021-12-02. Review status: criteria provided, single submitter. Criteria: ACMG Guidelines, 2015. Collection method: clinical testing. Allele origin: unknown.

Literature cited by the submitters: PubMed 25132046 (cited by Labcorp Genetics (formerly Invitae), Labcorp); PubMed 16199547 (cited by Labcorp Genetics (formerly Invitae), Labcorp); PubMed 9916797 (cited by Labcorp Genetics (formerly Invitae), Labcorp).